The following is an entry in ClinVar:

NM_000321.3(RB1):c.2009T>A (p.Leu670Gln)

Gene: RB1 (RB transcriptional corepressor 1; plus strand). Cytogenetic location: 13q14.2.
Variant type: single nucleotide variant.
Coding change: c.2009T>A on transcript NM_000321.3 (MANE Select); coding-DNA position 2009, T replaced by A.
Protein change: p.Leu670Gln; replaces leucine 670 with glutamine.
Molecular consequence: missense variant.
Genome position (GRCh38, 1-based): chr13:48,459,736, T>A. VCF-style: chr13-48459736-T-A. GRCh37 (hg19) VCF-style: chr13-49033872-T-A.
Other names: c.2009T>A, p.Leu670Gln (NM_001407165.1); short protein forms L670Q.
Identifiers: ClinVar variation 3313072 (VCV003313072.1).

ClinVar aggregate classification (germline): Uncertain significance (1 of 4 stars; one submission).

Conditions:
Hereditary cancer-predisposing syndrome. Also called: Neoplastic Syndromes, Hereditary; Tumor predisposition; Hereditary neoplastic syndrome; Hereditary Cancer Syndrome. Identifiers: Orphanet 140162, MedGen C0027672, MeSH D009386, MONDO:0015356.

Submission:

Ambry Genetics
Classification: Uncertain significance for Hereditary cancer-predisposing syndrome. Last evaluated: 2024-06-09. Review status: criteria provided, single submitter. Criteria: Ambry Variant Classification Scheme 2023. Collection method: clinical testing. Allele origin: germline.
Comment: The p.L670Q variant (also known as c.2009T>A), located in coding exon 20 of the RB1 gene, results from a T to A substitution at nucleotide position 2009. The leucine at codon 670 is replaced by glutamine, an amino acid with dissimilar properties. This amino acid position is conserved. In addition, this alteration is predicted to be deleterious by in silico analysis. Based on the available evidence, the clinical significance of this variant remains unclear.